The following is an entry in ClinVar:

ClinVar aggregate classification (germline): Uncertain significance (1 of 4 stars; one submission).

Submission:

CeGaT Center for Human Genetics Tuebingen
Classification: Uncertain significance. Last evaluated: 2024-05-01. Review status: criteria provided, single submitter. Criteria: CeGaT Center For Human Genetics Tuebingen Variant Classification Criteria Version 2. Collection method: clinical testing. Allele origin: germline. Affected: yes. Observed: 1 variant allele.
Comment: GIGYF1: PM2

NM_001375765.1(GIGYF1):c.411del (p.Ser137fs)

Gene: GIGYF1 (GRB10 interacting GYF protein 1; minus strand). Cytogenetic location: 7q22.1.
Variant type: Deletion.
Coding change: c.411del on transcript NM_001375765.1 (MANE Select); coding-DNA position 411, one base deleted (C; older notation c.411delC).
Protein change: p.Ser137fs; shifts the reading frame from serine 137.
Molecular consequence: frameshift variant. On other transcripts: non-coding transcript variant (1).
Genome position (GRCh38, 1-based): chr7:100,687,369, G deleted on the plus strand (C on the coding strand, the reverse complement: GIGYF1 is on the minus strand). VCF-style (leftmost placement, unchanged base first): chr7-100687368-TG-T. GRCh37 (hg19) VCF-style: chr7-100284991-TG-T.
Other names: c.411del, p.Ser137fs (NM_001375766.1, NM_001375767.1, NM_001375768.1 and 6 more transcripts); short protein forms S137fs.
Identifiers: ClinVar variation 3239425 (VCV003239425.19), dbSNP rs2486277032.
Genomic context (GRCh38, chr7:100,687,368, plus strand): 5'-AGCTCTGGCTGCGCTGGATTTCCCGGGGGCTTCGTCCAAAGGCCCCATCGCCTTCTTCGA[TG>T]CTTCTTTGGTAAAAGCAGCTGTCACCACGGCCGCGGCCTAGAGAAGAGGCCAGACGCACA-3'